The following is an entry in ClinVar:

NM_000064.4(C3):c.2305G>C (p.Glu769Gln)

Gene: C3 (complement C3; minus strand). Cytogenetic location: 19p13.3.
Variant type: single nucleotide variant.
Coding change: c.2305G>C on transcript NM_000064.4 (MANE Select); coding-DNA position 2305, G replaced by C.
Protein change: p.Glu769Gln; replaces glutamic acid 769 with glutamine.
Molecular consequence: missense variant.
Genome position (GRCh38, 1-based): chr19:6,702,520, C>G on the plus strand (G>C on the coding strand, the complement: C3 is on the minus strand). VCF-style: chr19-6702520-C-G. GRCh37 (hg19) VCF-style: chr19-6702531-C-G.
Other names: short protein forms E769Q.
Identifiers: ClinVar variation 4280161 (VCV004280161.1).
Genomic context (GRCh38, chr19:6,702,520, plus strand): 5'-CCCGGCCTTACCCATTTTTCGGTGGCTCTTTCAAGTCCTCAACGTTCCACAGCCAGCTCT[C>G]TGGGAACTCACTTCGGGAAACGATGTTCTCTTCTGCAATGATGTCCTCATCCAGGTTACC-3'
Protein context (NP_000055.2, residues 759-779): ENIVSRSEFP[Glu769Gln]SWLWNVEDLK

ClinVar aggregate classification (germline): Uncertain significance (1 of 4 stars; one submission).

Conditions:
Complement component 3 deficiency. Identifiers: Orphanet 280133, MedGen C3151071, MONDO:0013417, OMIM 613779.
C3 glomerulonephritis. Also called: Nephropathy due to CFHR5 Deficiency; C3 GLOMERULOPATHY 3. Identifiers: Orphanet 329931, MedGen C4055342, MONDO:0013892, OMIM 614809.
Atypical hemolytic-uremic syndrome. Identifiers: Orphanet 2134, MedGen C2931788, MONDO:0016244.

Submission:

Genomenon, Inc
Classification: Uncertain significance for Complement component 3 deficiency; C3 glomerulonephritis; Atypical hemolytic-uremic syndrome. Last evaluated: 2025-09-30. Review status: criteria provided, single submitter. Criteria: Genomenon Sequence Variant Interpretation Standards. Collection method: curation. Allele origin: germline. Affected: no.
Comment: C3 p.Glu769Gln (c.2305G>C) is a missense variant that changes the amino acid at residue 769 from Glutamic acid to Glutamine. This variant has been reported in the published literature (PMID:9988761). It is absent or not present at a significant frequency in gnomAD. In silico models agree that this variant is not damaging. In conclusion, we classify C3 p.Glu769Gln (c.2305G>C) as a variant of unknown significance.

Literature cited by the submitters: PubMed 9988761.